The following is an entry in ClinVar:

NM_001845.6(COL4A1):c.2486G>T (p.Gly829Val)

Gene: COL4A1 (collagen type IV alpha 1 chain; minus strand). Cytogenetic location: 13q34.
Variant type: single nucleotide variant.
Coding change: c.2486G>T on transcript NM_001845.6 (MANE Select); coding-DNA position 2486, G replaced by T.
Protein change: p.Gly829Val; replaces glycine 829 with valine.
Molecular consequence: missense variant.
Genome position (GRCh38, 1-based): chr13:110,178,204, C>A on the plus strand (G>T on the coding strand, the complement: COL4A1 is on the minus strand). VCF-style: chr13-110178204-C-A. GRCh37 (hg19) VCF-style: chr13-110830551-C-A.
Other names: short protein forms G829V.
Identifiers: ClinVar variation 2633221 (VCV002633221.1), dbSNP rs2501780562, ClinGen allele CA388667992.
Genomic context (GRCh38, chr13:110,178,204, plus strand): 5'-CCTTGAGCCCCTTTATCTCCTTTAGGGCCCGGCATGTCCAGTCCAGGGAATCCGGGGAAA[C>A]CCTTCTCTCCTTTTATTCCAGGAGGGCCTGCAGTTGGGTGAAACACAAATAACTTTTAGC-3'
Protein context (NP_001836.3, residues 819-839): SGPPGIKGEK[Gly829Val]FPGFPGLDMP

ClinVar aggregate classification (germline): Likely pathogenic (1 of 4 stars; one submission).

Conditions:
COL4A1-related disorder. Also called: COL4A1-related condition; COL4A1-related disorders. Identifiers: MedGen CN376119, MONDO:0800461.

Submission:

PreventionGenetics, part of Exact Sciences
Classification: Likely pathogenic for COL4A1-related condition. Last evaluated: 2023-05-02. Review status: criteria provided, single submitter. Criteria: ACMG Guidelines, 2015. Collection method: clinical testing. Allele origin: germline.
Comment: The COL4A1 c.2486G>T variant is predicted to result in the amino acid substitution p.Gly829Val. This variant affects a highly conserved glycine residue in exon 32, which is in the highly conserved triple helical domain. To our knowledge, this variant has not been reported in the literature or in a large population database, indicating this variant is rare. A different substitution affecting the same amino acid (p.Gly829Arg) was reported as a de novo variant in one individual with abnormal posterior fossa, abnormal shaped cerebellum, and cardiomegaly (Petrovski. 2019. PubMed ID: 30712878). Most of the reported pathogenic variants in COL4A1 are missense variants that disrupt glycine residues of the conserved triple helical domain and have been found in exons 24-49. This variant is interpreted as likely pathogenic.